The following is an entry in ClinVar:

NM_000494.4(COL17A1):c.910+10C>G

Gene: COL17A1 (collagen type XVII alpha 1 chain; minus strand). Cytogenetic location: 10q25.1.
Variant type: single nucleotide variant.
Coding change: c.910+10C>G on transcript NM_000494.4 (MANE Select); 10 bases into the intron after coding-DNA position 910, C replaced by G.
Molecular consequence: intron variant.
Genome position (GRCh38, 1-based): chr10:104,062,248, G>C on the plus strand (C>G on the coding strand, the complement: COL17A1 is on the minus strand). VCF-style: chr10-104062248-G-C. GRCh37 (hg19) VCF-style: chr10-105822006-G-C.
Other names: c.910+10C>G (NM_000494.3).
Identifiers: ClinVar variation 2915872 (VCV002915872.5), dbSNP rs374436613, ClinGen allele CA5679246.

ClinVar aggregate classification (germline): Likely benign. Review status: criteria provided, single submitter (1 of 4 stars). 2 submissions from 2 submitters: Likely benign (1). 1 of the submissions does not count toward it. Last evaluated 2024-01-28.

Conditions:
COL17A1-related disorder. Also called: COL17A1-related condition.

Allele frequency attached by ClinVar (database versions not stated): ExAC 0.00012; ESP Exome Variant Server 0.00015; TOPMed 0.00017; gnomAD 0.00019.
gnomAD v4.1: 276 of 1,614,100 alleles (0.017%); highest among the groups gnomAD compares: Non-Finnish European, 0.022%; no homozygotes.

Submissions (2):

Labcorp Genetics (formerly Invitae), Labcorp
Classification: Likely benign. Last evaluated: 2024-01-28. Review status: criteria provided, single submitter. Criteria: Invitae Variant Classification Sherloc (09022015). Collection method: clinical testing. Allele origin: germline.

PreventionGenetics, part of Exact Sciences
Classification: Likely benign for COL17A1-related condition. Last evaluated: 2020-08-10. Review status: no assertion criteria provided. Collection method: clinical testing. Allele origin: germline. Not counted in ClinVar's aggregate classification.
Comment: This variant is classified as likely benign based on ACMG/AMP sequence variant interpretation guidelines (Richards et al. 2015 PMID: 25741868, with internal and published modifications).